The following is an entry in ClinVar:

NM_001203.3(BMPR1B):c.92G>A (p.Arg31His)

Gene: BMPR1B (bone morphogenetic protein receptor type 1B; plus strand). Cytogenetic location: 4q22.3.
Variant type: single nucleotide variant.
Coding change: c.92G>A on transcript NM_001203.3 (MANE Select); coding-DNA position 92, G replaced by A.
Protein change: p.Arg31His; replaces arginine 31 with histidine.
Molecular consequence: missense variant.
Genome position (GRCh38, 1-based): chr4:95,104,516, G>A. VCF-style: chr4-95104516-G-A. GRCh37 (hg19) VCF-style: chr4-96025667-G-A.
Other names: c.92G>A, p.Arg31His (NM_001256792.2, NM_001256794.1); c.182G>A, p.Arg61His (NM_001256793.2); short protein forms R31H, R61H.
Identifiers: ClinVar variation 350113 (VCV000350113.11), dbSNP rs200035802, ClinGen allele CA3014877.

ClinVar aggregate classification (germline): Benign/Likely benign. Review status: criteria provided, multiple submitters, no conflicts (2 of 4 stars). 2 submissions from 2 submitters: Benign (1); Likely benign (1). Last evaluated 2025-12-28.

Conditions:
Brachydactyly. Also called: Brachydactyly syndrome; Brachydactyly (disease). Identifiers: MedGen C0221357, MONDO:0021004, HP:0001156.
Acromesomelic dysplasia 3 (AMD3). Also called: CHONDRODYSPLASIA, ACROMESOMELIC, WITH OR WITHOUT GENITAL ANOMALIES; Acromesomelic dysplasia, Demirhan type. Identifiers: MedGen C4225404, MONDO:0012274, OMIM 609441.
Type A2 brachydactyly (BDA2). Also called: BRACHYMESOPHALANGY II; MOHR-WRIEDT TYPE BRACHYDACTYLY; Brachymesophalangy type 2. Identifiers: Orphanet 93396, MedGen C1832702, MONDO:0007216, OMIM 112600, HP:0009372.

Allele frequency attached by ClinVar (database versions not stated): gnomAD exomes 0.00011 and 0.00017; TOPMed 0.00014; ExAC 0.00015; gnomAD 0.00015 and 0.00016; 1000 Genomes Project 30x 0.00047; 1000 Genomes Project 0.00060.
gnomAD v4.1: 181 of 1,613,436 alleles (0.011%); highest among the groups gnomAD compares: East Asian, 0.11%; no homozygotes.

Submissions (2):

Labcorp Genetics (formerly Invitae), Labcorp
Classification: Likely benign for Type A2 brachydactyly; Acromesomelic dysplasia 3. Last evaluated: 2025-12-28. Review status: criteria provided, single submitter. Criteria: Invitae Variant Classification Sherloc (09022015). Collection method: clinical testing. Allele origin: germline.

Illumina Laboratory Services, Illumina
Classification: Benign for Brachydactyly. Last evaluated: 2018-01-12. Review status: criteria provided, single submitter. Criteria: ICSL Variant Classification Criteria 13 December 2019. Collection method: clinical testing. Allele origin: germline.
Comment: This variant was observed in the ICSL laboratory as part of a predisposition screen in an ostensibly healthy population. It had not been previously curated by ICSL or reported in the Human Gene Mutation Database (HGMD: prior to June 1st, 2018), and was therefore a candidate for classification through an automated scoring system. Utilizing variant allele frequency, disease prevalence and penetrance estimates, and inheritance mode, an automated score was calculated to assess if this variant is too frequent to cause the disease. Based on the score and internal cut-off values, a variant classified as benign is not then subjected to further curation. The score for this variant resulted in a classification of benign for this disease.